The following is an entry in ClinVar:

NM_001372.4(DNAH9):c.7170+11dup

Gene: DNAH9 (dynein axonemal heavy chain 9; plus strand). Cytogenetic location: 17p12.
Variant type: Duplication.
Coding change: c.7170+11dup on transcript NM_001372.4 (MANE Select); 11 bases into the intron after coding-DNA position 7170, one base duplicated (A; older notation c.7170+11dupA).
Molecular consequence: intron variant.
Genome position (GRCh38, 1-based): chr17:11,763,625, A duplicated. VCF-style (leftmost placement, unchanged base first): chr17-11763624-T-TA. GRCh37 (hg19) VCF-style: chr17-11666941-T-TA.
Identifiers: ClinVar variation 1445517 (VCV001445517.7), dbSNP rs1158433238, ClinGen allele CA624893455.

ClinVar aggregate classification (germline): Uncertain significance (1 of 4 stars; one submission).

Allele frequency attached by ClinVar (database versions not stated): TOPMed below 0.00001; gnomAD 0.00001; gnomAD exomes 0.00002.

Submission:

Labcorp Genetics (formerly Invitae), Labcorp
Classification: Uncertain significance. Last evaluated: 2024-10-26. Review status: criteria provided, single submitter. Criteria: Invitae Variant Classification Sherloc (09022015). Collection method: clinical testing. Allele origin: germline.
Comment: This sequence change falls in intron 36 of the DNAH9 gene. It does not directly change the encoded amino acid sequence of the DNAH9 protein. This variant is present in population databases (no rsID available, gnomAD 0.007%). This variant has been observed in individual(s) with clinical features of primary ciliary dyskinesia (internal data). ClinVar contains an entry for this variant (Variation ID: 1445517). Algorithms developed to predict the effect of sequence changes on RNA splicing suggest that this variant is not likely to affect RNA splicing. In summary, the available evidence is currently insufficient to determine the role of this variant in disease. Therefore, it has been classified as a Variant of Uncertain Significance.